The following is an entry in ClinVar:

ClinVar aggregate classification (germline): Likely benign. Review status: criteria provided, multiple submitters, no conflicts (2 of 4 stars). 5 submissions from 5 submitters: Likely benign (5). Last evaluated 2025-12-20.

Conditions:
Alstrom syndrome (ALMS). Identifiers: Orphanet 64, MedGen C0268425, MONDO:0008763, OMIM 203800.
Cardiovascular phenotype. Identifiers: MedGen CN230736.

Allele frequency attached by ClinVar (database versions not stated): gnomAD exomes 0.00001 and 0.00004; TOPMed 0.00001; gnomAD 0.00002; ExAC 0.00006.
gnomAD v4.1: 26 of 1,612,398 alleles (0.0016%); highest among the groups gnomAD compares: South Asian, 0.011%; no homozygotes.

Submissions (5):

Labcorp Genetics (formerly Invitae), Labcorp
Classification: Likely benign for Alstrom syndrome. Last evaluated: 2025-12-20. Review status: criteria provided, single submitter. Criteria: Invitae Variant Classification Sherloc (09022015). Collection method: clinical testing. Allele origin: germline.

Blueprint Genetics
Classification: Likely benign. Last evaluated: 2022-12-12. Review status: criteria provided, single submitter. Criteria: ACMG Guidelines, 2015. Collection method: clinical testing. Allele origin: germline.

Ambry Genetics
Classification: Likely benign for Cardiovascular phenotype. Last evaluated: 2020-10-23. Review status: criteria provided, single submitter. Criteria: Ambry Variant Classification Scheme 2023. Collection method: clinical testing. Allele origin: germline.

GeneDx
Classification: Likely benign. Last evaluated: 2020-01-28. Review status: criteria provided, single submitter. Criteria: GeneDx Variant Classification Process June 2021. Collection method: clinical testing. Allele origin: germline. Affected: yes.

Laboratory for Molecular Medicine, Mass General Brigham Personalized Medicine
Classification: Likely benign. Last evaluated: 2017-08-23. Review status: criteria provided, single submitter. Criteria: LMM Criteria. Collection method: clinical testing. Allele origin: germline. Observed: 1 variant allele.
Comment: p.Lys2146Lys in exon 8 of ALMS1: This variant is not expected to have clinical significance because it does not alter an amino acid residue and is not located within the splice consensus sequence. It has been identified in 0.03% (5/16438) of South Asian chromosomes by the Exome Aggregation Consortium (ExAC; dbSNP rs776254949).

NM_001378454.1(ALMS1):c.6441A>G (p.Lys2147=)

Gene: ALMS1 (ALMS1 centrosome and basal body associated protein; plus strand). Cytogenetic location: 2p13.1.
Variant type: single nucleotide variant.
Coding change: c.6441A>G on transcript NM_001378454.1 (MANE Select); coding-DNA position 6441, A replaced by G.
Protein change: p.Lys2147=; no amino-acid change (lysine 2147 retained).
Molecular consequence: synonymous variant.
Genome position (GRCh38, 1-based): chr2:73,452,968, A>G. VCF-style: chr2-73452968-A-G. GRCh37 (hg19) VCF-style: chr2-73680095-A-G.
Other names: c.6444A>G, p.Lys2148= (NM_015120.4).
Identifiers: ClinVar variation 390726 (VCV000390726.18), dbSNP rs776254949, ClinGen allele CA1714062.
Genomic context (GRCh38, chr2:73,452,968, plus strand): 5'-AGCTGGCCAGAAAACAGTATTACCAACAGCTCTTCCTAGTTCCTTTTCACATCGAGAGAA[A>G]CCAGATATTTTCTATCAAAAGGATTTGCCAGATAGACATCTAACTGAAGATGCTCTAAAG-3'
Protein context (NP_001365383.1, residues 2137-2157): ALPSSFSHRE[Lys2147=]PDIFYQKDLP